The following is an entry in ClinVar:

NM_006996.3(SLC19A2):c.*60G>A

Gene: SLC19A2 (solute carrier family 19 member 2; minus strand). Cytogenetic location: 1q24.2.
Variant type: single nucleotide variant.
Coding change: c.*60G>A on transcript NM_006996.3 (MANE Select); 60 bases downstream of the stop codon, G replaced by A.
Molecular consequence: 3 prime UTR variant.
Genome position (GRCh38, 1-based): chr1:169,465,789, C>T on the plus strand (G>A on the coding strand, the complement: SLC19A2 is on the minus strand). VCF-style: chr1-169465789-C-T. GRCh37 (hg19) VCF-style: chr1-169435027-C-T.
Other names: c.*60G>A (NM_001319667.1).
Identifiers: ClinVar variation 293520 (VCV000293520.9), dbSNP rs2678166, ClinGen allele CA10608657.

ClinVar aggregate classification (germline): Benign. Review status: criteria provided, multiple submitters, no conflicts (2 of 4 stars). 3 submissions from 3 submitters: Benign (3). Last evaluated 2018-06-23.

Conditions:
Megaloblastic anemia, thiamine-responsive, with diabetes mellitus and sensorineural deafness (TRMA). Also called: THIAMINE METABOLISM DYSFUNCTION SYNDROME 1 (MEGALOBLASTIC ANEMIA, DIABETES MELLITUS, AND DEAFNESS TYPE); ROGERS SYNDROME; THIAMINE-RESPONSIVE ANEMIA SYNDROME; THIAMINE-RESPONSIVE MYELODYSPLASIA; Thiamine-Responsive Megaloblastic Anemia Syndrome. Identifiers: Orphanet 49827, MedGen C0342287, MONDO:0009575, OMIM 249270.

Allele frequency attached by ClinVar (database versions not stated): gnomAD exomes 0.98180; gnomAD 0.98575 and 0.98653; TOPMed 0.98728; 1000 Genomes Project 0.99760; 1000 Genomes Project 30x 0.99766.

Submissions (3):

GeneDx
Classification: Benign. Last evaluated: 2018-06-23. Review status: criteria provided, single submitter. Criteria: GeneDx Variant Classification Process June 2021. Collection method: clinical testing. Allele origin: germline. Affected: yes.

Illumina Laboratory Services, Illumina
Classification: Benign for Megaloblastic anemia, thiamine-responsive, with diabetes mellitus and sensorineural deafness. Last evaluated: 2018-01-13. Review status: criteria provided, single submitter. Criteria: ICSL Variant Classification Criteria 13 December 2019. Collection method: clinical testing. Allele origin: germline.
Comment: This variant was observed in the ICSL laboratory as part of a predisposition screen in an ostensibly healthy population. It had not been previously curated by ICSL or reported in the Human Gene Mutation Database (HGMD: prior to June 1st, 2018), and was therefore a candidate for classification through an automated scoring system. Utilizing variant allele frequency, disease prevalence and penetrance estimates, and inheritance mode, an automated score was calculated to assess if this variant is too frequent to cause the disease. Based on the score and internal cut-off values, a variant classified as benign is not then subjected to further curation. The score for this variant resulted in a classification of benign for this disease.

Breakthrough Genomics
Classification: Benign. Review status: criteria provided, single submitter. Criteria: ACMG Guidelines, 2015. Collection method: not provided. Allele origin: germline. Inheritance: Autosomal recessive inheritance. Affected: yes.